The following is an entry in ClinVar:

NM_006261.5(PROP1):c.220A>T (p.Thr74Ser)

Gene: PROP1 (PROP paired-like homeobox 1; minus strand). Cytogenetic location: 5q35.3.
Variant type: single nucleotide variant.
Coding change: c.220A>T on transcript NM_006261.5 (MANE Select); coding-DNA position 220, A replaced by T.
Protein change: p.Thr74Ser; replaces threonine 74 with serine.
Molecular consequence: missense variant.
Genome position (GRCh38, 1-based): chr5:177,994,228, T>A on the plus strand (A>T on the coding strand, the complement: PROP1 is on the minus strand). VCF-style: chr5-177994228-T-A. GRCh37 (hg19) VCF-style: chr5-177421229-T-A.
Other names: short protein forms T74S.
Identifiers: ClinVar variation 451854 (VCV000451854.2), dbSNP rs1554182500, ClinGen allele CA362379198.

ClinVar aggregate classification (germline): Uncertain significance (1 of 4 stars; one submission).

Submission:

GeneDx
Classification: Uncertain significance. Last evaluated: 2017-09-08. Review status: criteria provided, single submitter. Criteria: GeneDx Variant Classification (06012015). Collection method: clinical testing. Allele origin: germline. Affected: yes.
Comment: The T74S variant in the PROP1 gene has not been reported previously as a pathogenic variant, nor as a benign variant, to our knowledge. The T74S variant is not observed in large population cohorts (Lek et al., 2016; 1000 Genomes Consortium et al., 2015; Exome Variant Server). The T74S variant is a conservative amino acid substitution, which is not likely to impact secondary protein structure as these residues share similar properties. This substitution occurs at a position that is conserved across species and is located in homeobox DNA binding domain. In silico analysis predicts this variant is probably damaging to the protein structure/function. We interpret T74S as a variant of uncertain significance.